The following is an entry in ClinVar:

ClinVar aggregate classification (germline): Conflicting classifications of pathogenicity. Review status: criteria provided, conflicting classifications (1 of 4 stars). 14 submissions from 14 submitters: Uncertain significance (11); Likely benign (1). 2 of the submissions do not count toward it. Last evaluated 2026-01-16.

Conditions:
Breast-ovarian cancer, familial, susceptibility to, 1 (BROVCA1). Also called: BRCA1 Hereditary Breast and Ovarian Cancer; OVARIAN CANCER, SUSCEPTIBILITY TO. Identifiers: Orphanet 145, MedGen C2676676, MONDO:0011450, OMIM 604370. Disease mechanism: loss of function.
Familial cancer of breast. Also called: hereditary breast carcinoma; BREAST CANCER, FAMILIAL; Hereditary breast cancer. Identifiers: Orphanet 227535, MedGen C0346153, MONDO:0016419, OMIM 114480. Disease mechanism: loss of function.
Fanconi anemia, complementation group S (FANCS). Identifiers: MedGen C4554406, MONDO:0054748, OMIM 617883.
Pancreatic cancer, susceptibility to, 4. Identifiers: Orphanet 1333, MedGen C3280442, MONDO:0013685, OMIM 614320.
Hereditary cancer-predisposing syndrome. Also called: Hereditary Cancer Syndrome; Hereditary neoplastic syndrome; Neoplastic Syndromes, Hereditary; Tumor predisposition. Identifiers: Orphanet 140162, MedGen C0027672, MeSH D009386, MONDO:0015356.
Hereditary breast ovarian cancer syndrome. Also called: BRCA1- and BRCA2-Associated Hereditary Breast and Ovarian Cancer; Hereditary breast and ovarian cancer syndrome; Hereditary breast and ovarian cancer syndrome (HBOC); Breast and ovarian cancer; Hereditary breast and/or ovarian cancer syndrome; Hereditary breast and ovarian cancer. Identifiers: Orphanet 145, MedGen C0677776, MeSH D061325, MONDO:0003582. Disease mechanism: loss of function.

Allele frequency attached by ClinVar (database versions not stated): gnomAD 0.00001; gnomAD exomes 0.00001; TOPMed below 0.00001; ExAC 0.00002.
gnomAD v4.1: 7 of 1,614,036 alleles (0.00043%); highest among the groups gnomAD compares: East Asian, 0.0022%; no homozygotes.

Submissions 1 to 9 of 14:

Labcorp Genetics (formerly Invitae), Labcorp
Classification: Uncertain significance for Hereditary breast ovarian cancer syndrome. Last evaluated: 2026-01-16. Review status: criteria provided, single submitter. Criteria: Invitae Variant Classification Sherloc (09022015). Collection method: clinical testing. Allele origin: germline.
Comment: This sequence change replaces leucine, which is neutral and non-polar, with valine, which is neutral and non-polar, at codon 1209 of the BRCA1 protein (p.Leu1209Val). This variant is present in population databases (rs273900711, gnomAD 0.01%). This missense change has been observed in individual(s) with breast cancer and/or lung cancer (PMID: 17972177, 28222693, 29625052). ClinVar contains an entry for this variant (Variation ID: 54942). Invitae Evidence Modeling of protein sequence and biophysical properties (such as structural, functional, and spatial information, amino acid conservation, physicochemical variation, residue mobility, and thermodynamic stability) indicates that this missense variant is expected to disrupt BRCA1 protein function with a positive predictive value of 80%. In summary, the available evidence is currently insufficient to determine the role of this variant in disease. Therefore, it has been classified as a Variant of Uncertain Significance.

Ambry Genetics
Classification: Uncertain significance for Hereditary cancer-predisposing syndrome. Last evaluated: 2025-09-25. Review status: criteria provided, single submitter. Criteria: Ambry Variant Classification Scheme 2023. Collection method: clinical testing. Allele origin: germline.
Comment: The p.L1209V variant (also known as c.3625T>G), located in coding exon 9 of the BRCA1 gene, results from a T to G substitution at nucleotide position 3625. The leucine at codon 1209 is replaced by valine, an amino acid with highly similar properties. This amino acid position is highly conserved in available vertebrate species. In addition, the in silico prediction for this alteration is inconclusive. Based on the available evidence, the clinical significance of this variant remains unclear.

Center for Genomic Medicine, Rigshospitalet, Copenhagen University Hospital
Classification: Uncertain significance. Last evaluated: 2025-03-04. Review status: criteria provided, single submitter. Criteria: ACMG Guidelines, 2015. Collection method: clinical testing. Allele origin: germline.

Blueprint Genetics
Classification: Uncertain significance. Last evaluated: 2024-11-01. Review status: criteria provided, single submitter. Criteria: ACMG Guidelines, 2015. Collection method: clinical testing. Allele origin: germline.

Fulgent Genetics
Classification: Uncertain significance for Breast-ovarian cancer, familial, susceptibility to, 1; Pancreatic cancer, susceptibility to, 4; Fanconi anemia, complementation group S. Last evaluated: 2024-02-07. Review status: criteria provided, single submitter. Criteria: ACMG Guidelines, 2015. Collection method: clinical testing. Allele origin: germline.

Color Diagnostics, LLC DBA Color Health
Classification: Uncertain significance for Hereditary cancer-predisposing syndrome. Last evaluated: 2023-11-21. Review status: criteria provided, single submitter. Criteria: ACMG Guidelines, 2015. Collection method: clinical testing. Allele origin: germline.
Comment: This missense variant replaces leucine with valine at codon 1209 of the BRCA1 protein. Computational prediction is inconclusive regarding the impact of this variant on protein structure and function. To our knowledge, functional studies have not been reported for this variant. This variant has been reported in two individuals affected with breast cancer and in two unaffected individuals (PMID: 17972177, 28222693) and in an individual affected the urothelial carcinoma (PMID: 29625052). This variant also has been detected in a breast cancer case-control meta-analysis in 8/60466 cases and 4/53461 unaffected individuals (PMID: 33471991; Leiden Open Variation Database DB-ID BRCA1_002448). This variant has also been identified in 2/251266 chromosomes in the general population by the Genome Aggregation Database (gnomAD). The available evidence is insufficient to determine the role of this variant in disease conclusively. Therefore, this variant is classified as a Variant of Uncertain Significance.

All of Us Research Program, National Institutes of Health
Classification: Uncertain significance for Breast-ovarian cancer, familial, susceptibility to, 1. Last evaluated: 2023-10-02. Review status: criteria provided, single submitter. Criteria: ACMG Guidelines, 2015. Collection method: clinical testing. Allele origin: germline. Inheritance: Autosomal dominant inheritance. Observed: 3 variant alleles, 3 heterozygotes.
Comment: This missense variant replaces leucine with valine at codon 1209 of the BRCA1 protein. Computational prediction is inconclusive regarding the impact of this variant on protein structure and function (internally defined REVEL score threshold 0.5 < inconclusive < 0.7, PMID: 27666373). To our knowledge, functional studies have not been reported for this variant. This variant has been reported in two individuals affected with breast cancer (PMID: 17972177, 28222693) and two unaffected controls (PMID: 28222693). In a large breast cancer case-control study, this variant has been observed in 8/60466 cases and 4/53461 unaffected controls (OR=1.768; 95%CI 0.532 to 5.873; p-value=0.399; Leiden Open Variation Database DB-ID BRCA1_002448) (PMID 33471991). This variant has also been identified in 2/251266 chromosomes in the general population by the Genome Aggregation Database (gnomAD). The available evidence is insufficient to determine the role of this variant in disease conclusively. Therefore, this variant is classified as a Variant of Uncertain Significance.

This study involves interpretation of variants in research participants for the purpose of population health screening. Participant phenotype was not available at the time of variant classification. Additional details can be found in publication PMID: 35346344, PMCID: PMC8962531

GeneDx
Classification: Uncertain significance. Last evaluated: 2023-05-05. Review status: criteria provided, single submitter. Criteria: GeneDx Variant Classification Process June 2021. Collection method: clinical testing. Allele origin: germline. Affected: yes.
Comment: Published functional studies suggest a neutral effect: demonstrates homologous recombination repair similar to wild type (Bouwman et al., 2020); Identified in individuals with breast or other cancer, and also in unaffected controls (Purnomosari et al., 2007; Lai et al., 2017; Huang et al., 2018); In silico analysis supports that this missense variant does not alter protein structure/function; Not observed at significant frequency in large population cohorts (gnomAD); Also known as 3744T>G; This variant is associated with the following publications: (PMID: 17972177, 28222693, 32377563, 29884841, 31853058, 32546644, 29625052)

University of Washington Department of Laboratory Medicine, University of Washington
Classification: Likely benign for Hereditary cancer-predisposing syndrome. Last evaluated: 2023-03-23. Review status: criteria provided, single submitter. Criteria: Dines et al. (Genet Med. 2020). Collection method: curation. Allele origin: germline.
Comment: Missense variant in a coldspot region where missense variants are very unlikely to be pathogenic (PMID:31911673).

BRCA1 coldspot (exon 11 using historical exon numbering). Reclassification based on statistical prior probability

NM_007294.4(BRCA1):c.3625T>G (p.Leu1209Val)

Genes: BRCA1 (BRCA1 DNA repair associated; minus strand), LOC126862571 (BRD4-independent group 4 enhancer GRCh37_chr17:41243136-41244335; plus strand). Cytogenetic location: 17q21.31.
Variant type: single nucleotide variant.
Coding change: c.3625T>G on transcript NM_007294.4 (MANE Select); coding-DNA position 3625, T replaced by G.
Protein change: p.Leu1209Val; replaces leucine 1209 with valine.
Molecular consequence: missense variant. On other transcripts: intron variant (135).
Genome position (GRCh38, 1-based): chr17:43,091,906, A>C on the plus strand (T>G on the coding strand, the complement: BRCA1 is on the minus strand). VCF-style: chr17-43091906-A-C. GRCh37 (hg19) VCF-style: chr17-41243923-A-C.
Other names: 3744T>G; c.3292T>G, p.Leu1098Val (NM_001407947.1, NM_001407948.1, NM_001407949.1 and 6 more transcripts); c.3289T>G, p.Leu1097Val (NM_001407954.1, NM_001407955.1, NM_001407956.1 and 1 more transcripts); c.3244T>G, p.Leu1082Val (NM_001407959.1, NM_001407960.1, NM_001407963.1); c.3241T>G, p.Leu1081Val (NM_001407962.1); c.3481T>G, p.Leu1161Val (NM_001407964.1, NM_001407740.1, NM_001407741.1 and 20 more transcripts); c.3121T>G, p.Leu1041Val (NM_001407965.1); c.2737T>G, p.Leu913Val (NM_001407966.1, NM_001407967.1); and 42 more; short protein forms L1209V, L1162V, L1041V, L1082V, L1120V, L1138V, L1161V, L1167V.
Identifiers: ClinVar variation 54942 (VCV000054942.37), dbSNP rs273900711, ClinGen allele CA002319.